The following is an entry in ClinVar:

ClinVar aggregate classification (germline): Pathogenic (1 of 4 stars; one submission).

Conditions:
Neurofibromatosis, type 1 (NF1). Also called: NEUROFIBROMATOSIS, TYPE I, SOMATIC; VON RECKLINGHAUSEN DISEASE; Peripheral type neurofibromatosis; Neurofibromatosis, type I. Identifiers: Orphanet 636, MedGen C0027831, MONDO:0018975, OMIM 162200. Disease mechanism: loss of function.

Submission:

Labcorp Genetics (formerly Invitae), Labcorp
Classification: Pathogenic for Neurofibromatosis, type 1. Last evaluated: 2022-01-02. Review status: criteria provided, single submitter. Criteria: Invitae Variant Classification Sherloc (09022015). Collection method: clinical testing. Allele origin: germline.
Comment: For these reasons, this variant has been classified as Pathogenic. This variant has not been reported in the literature in individuals affected with NF1-related conditions. This variant is not present in population databases (gnomAD no frequency). This sequence change creates a premature translational stop signal (p.Ser1546*) in the NF1 gene. It is expected to result in an absent or disrupted protein product. Loss-of-function variants in NF1 are known to be pathogenic (PMID: 10712197, 23913538).

Literature cited by the submitters: PubMed 10712197; PubMed 23913538.

NM_001042492.3(NF1):c.4700del (p.Ser1566_Ser1567insTer)

Gene: NF1 (neurofibromin 1; plus strand). Cytogenetic location: 17q11.2.
Variant type: Deletion.
Coding change: c.4700del on transcript NM_001042492.3 (MANE Select); coding-DNA position 4700, one base deleted (C; older notation c.4700delC).
Protein change: p.Ser1566_Ser1567insTer.
Molecular consequence: nonsense. On other transcripts: frameshift variant (1).
Genome position (GRCh38, 1-based): chr17:31,261,833, C deleted. VCF-style (leftmost placement, unchanged base first): chr17-31261832-TC-T. GRCh37 (hg19) VCF-style: chr17-29588850-TC-T.
Other names: c.4637delC, p.Ser1546Terfs (NM_000267.4).
Identifiers: ClinVar variation 2070425 (VCV002070425.4), dbSNP rs2508430762, ClinGen allele CA2580093312.
Genomic context (GRCh38, chr17:31,261,832, plus strand): 5'-GGTCCTCCAGAGCACAAACCTGTGGCAGATACACACTGGTCCAGCCTTAACCTTACCAGT[TC>T]AAAGTTTGAGGAATTTATGACTAGGTAAAGTACAACCTTGAAATAGTTGATTGCTTTCTT-3'